The following is an entry in ClinVar:

ClinVar aggregate classification (germline): Uncertain significance (1 of 4 stars; one submission).

Conditions:
RASopathy. Also called: Noonan spectrum disorder; rasopathies. Identifiers: Orphanet 536391, MedGen C5555857, MONDO:0021060.

Submission:

Labcorp Genetics (formerly Invitae), Labcorp
Classification: Uncertain significance for RASopathy. Last evaluated: 2024-02-17. Review status: criteria provided, single submitter. Criteria: Invitae Variant Classification Sherloc (09022015). Collection method: clinical testing. Allele origin: germline.
Comment: This sequence change falls in intron 7 of the CBL gene. It does not directly change the encoded amino acid sequence of the CBL protein. It affects a nucleotide within the consensus splice site. This variant is not present in population databases (gnomAD no frequency). This variant has not been reported in the literature in individuals affected with CBL-related conditions. Variants that disrupt the consensus splice site are a relatively common cause of aberrant splicing (PMID: 17576681, 9536098). Algorithms developed to predict the effect of sequence changes on RNA splicing suggest that this variant may disrupt the consensus splice site. In summary, the available evidence is currently insufficient to determine the role of this variant in disease. Therefore, it has been classified as a Variant of Uncertain Significance.

Literature cited by the submitters: PubMed 17576681; PubMed 9536098.

NM_005188.4(CBL):c.1095+5G>A

Gene: CBL (Cbl proto-oncogene; plus strand). Cytogenetic location: 11q23.3.
Variant type: single nucleotide variant.
Coding change: c.1095+5G>A on transcript NM_005188.4 (MANE Select); 5 bases into the intron after coding-DNA position 1095, G replaced by A.
Molecular consequence: intron variant.
Genome position (GRCh38, 1-based): chr11:119,277,849, G>A. VCF-style: chr11-119277849-G-A. GRCh37 (hg19) VCF-style: chr11-119148559-G-A.
Identifiers: ClinVar variation 3689504 (VCV003689504.2).